The following is an entry in ClinVar:

NM_025081.3(NYNRIN):c.4548C>T (p.Leu1516=)

Gene: NYNRIN (NYN domain and retroviral integrase containing; plus strand). Cytogenetic location: 14q12.
Variant type: single nucleotide variant.
Coding change: c.4548C>T on transcript NM_025081.3 (MANE Select); coding-DNA position 4548, C replaced by T.
Protein change: p.Leu1516=; no amino-acid change (leucine 1516 retained).
Molecular consequence: synonymous variant.
Genome position (GRCh38, 1-based): chr14:24,416,297, C>T. VCF-style: chr14-24416297-C-T. GRCh37 (hg19) VCF-style: chr14-24885503-C-T.
Identifiers: ClinVar variation 3706522 (VCV003706522.2).

ClinVar aggregate classification (germline): Uncertain significance (1 of 4 stars; one submission).

Submission:

Labcorp Genetics (formerly Invitae), Labcorp
Classification: Uncertain significance. Last evaluated: 2024-03-27. Review status: criteria provided, single submitter. Criteria: Invitae Variant Classification Sherloc (09022015). Collection method: clinical testing. Allele origin: germline.
Comment: This sequence change affects codon 1516 of the NYNRIN mRNA. It is a 'silent' change, meaning that it does not change the encoded amino acid sequence of the NYNRIN protein. The frequency data for this variant in the population databases is considered unreliable, as metrics indicate poor data quality at this position in the gnomAD database. This variant has not been reported in the literature in individuals affected with NYNRIN-related conditions. In summary, the available evidence is currently insufficient to determine the role of this variant in disease. Therefore, it has been classified as a Variant of Uncertain Significance.